The following is an entry in ClinVar:

NM_016614.3(TDP2):c.400C>T (p.Arg134Ter)

Gene: TDP2 (tyrosyl-DNA phosphodiesterase 2; minus strand). Cytogenetic location: 6p22.3.
Variant type: single nucleotide variant.
Coding change: c.400C>T on transcript NM_016614.3 (MANE Select); coding-DNA position 400, C replaced by T.
Protein change: p.Arg134Ter; replaces arginine 134 with a stop codon.
Molecular consequence: nonsense.
Genome position (GRCh38, 1-based): chr6:24,658,586, G>A on the plus strand (C>T on the coding strand, the complement: TDP2 is on the minus strand). VCF-style: chr6-24658586-G-A. GRCh37 (hg19) VCF-style: chr6-24658814-G-A.
Other names: p.Arg134*; short protein forms R134*.
Identifiers: ClinVar variation 2041505 (VCV002041505.2), dbSNP rs377119756, ClinGen allele CA362988400.

ClinVar aggregate classification (germline): Pathogenic. Review status: criteria provided, multiple submitters, no conflicts (2 of 4 stars). 2 submissions from 2 submitters: Pathogenic (2). Last evaluated 2024-05-13.

Submissions (2):

Mayo Clinic Laboratories, Mayo Clinic
Classification: Pathogenic. Last evaluated: 2024-05-13. Review status: criteria provided, single submitter. Criteria: ACMG Guidelines, 2015. Collection method: clinical testing. Allele origin: germline. Observed: 1 variant allele.
Comment: PM2, PM3_supporting, PVS1

Labcorp Genetics (formerly Invitae), Labcorp
Classification: Pathogenic. Last evaluated: 2022-07-05. Review status: criteria provided, single submitter. Criteria: Invitae Variant Classification Sherloc (09022015). Collection method: clinical testing. Allele origin: germline.
Comment: This sequence change creates a premature translational stop signal (p.Arg134*) in the TDP2 gene. It is expected to result in an absent or disrupted protein product. Loss-of-function variants in TDP2 are known to be pathogenic (PMID: 24658003). This variant is present in population databases (no rsID available, gnomAD 0.002%). This premature translational stop signal has been observed in individual(s) with spinocerebellar ataxia (PMID: 31410782, 32651480, 34606976). Algorithms developed to predict the effect of sequence changes on RNA splicing suggest that this variant may disrupt the consensus splice site. For these reasons, this variant has been classified as Pathogenic.

Literature cited by the submitters: PubMed 31410782 (cited by Mayo Clinic Laboratories, Mayo Clinic and Labcorp Genetics (formerly Invitae), Labcorp); PubMed 32651480 (cited by Mayo Clinic Laboratories, Mayo Clinic and Labcorp Genetics (formerly Invitae), Labcorp); PubMed 32653827 (cited by Mayo Clinic Laboratories, Mayo Clinic); PubMed 33921670 (cited by Mayo Clinic Laboratories, Mayo Clinic); PubMed 34606976 (cited by Mayo Clinic Laboratories, Mayo Clinic and Labcorp Genetics (formerly Invitae), Labcorp); PubMed 38433132 (cited by Mayo Clinic Laboratories, Mayo Clinic); PubMed 24658003 (cited by Labcorp Genetics (formerly Invitae), Labcorp).